The following is an entry in ClinVar:

ClinVar aggregate classification (germline): Uncertain significance. Review status: criteria provided, multiple submitters, no conflicts (2 of 4 stars). 3 submissions from 3 submitters: Uncertain significance (3). Last evaluated 2025-12-18.

Conditions:
Pfeiffer syndrome (ACS5). Also called: ACS V. Identifiers: Orphanet 710, MedGen C0220658, MONDO:0007043, OMIM 101600.
Hypogonadotropic hypogonadism 2 with or without anosmia (HH2). Also called: FGFR1-Related GnRH Deficiency (Kallmann Syndrome 2); HYPOGONADOTROPIC HYPOGONADISM 2 WITHOUT ANOSMIA; HYPOGONADOTROPIC HYPOGONADISM 2 WITH OR WITHOUT ANOSMIA, SUSCEPTIBILITY TO; HYPOGONADOTROPIC HYPOGONADISM 2 WITHOUT ANOSMIA, SUSCEPTIBILITY TO. Identifiers: Orphanet 478, MedGen C1563720, MONDO:0007844, OMIM 147950. Disease mechanism: loss of function.

gnomAD v4.1: 3 of 1,614,174 alleles (0.00019%); highest among the groups gnomAD compares: Non-Finnish European, 0.00025%; no homozygotes.

Submissions (3):

Dasa
Classification: Uncertain significance. Last evaluated: 2025-12-18. Review status: criteria provided, single submitter. Criteria: DASA Assertion Criteria. Collection method: clinical testing. Allele origin: germline.
Comment: NM_023110.3(FGFR1):c.416A>G (p.Lys139Arg) is a missense variant that results in the substitution of lysine with arginine. This variant is rare in population databases. Computational prediction algorithms are consistent with a deleterious effect. The currently available literature and clinical evidence are not sufficient to establish a definitive association between this variant and the reported condition. Therefore, this variant is classified as a variant of uncertain significance.

Labcorp Genetics (formerly Invitae), Labcorp
Classification: Uncertain significance for Pfeiffer syndrome; Hypogonadotropic hypogonadism 2 with or without anosmia. Last evaluated: 2025-03-25. Review status: criteria provided, single submitter. Criteria: Invitae Variant Classification Sherloc (09022015). Collection method: clinical testing. Allele origin: germline.
Comment: This sequence change replaces lysine, which is basic and polar, with arginine, which is basic and polar, at codon 139 of the FGFR1 protein (p.Lys139Arg). This variant is present in population databases (rs770745123, gnomAD 0.0009%). This variant has not been reported in the literature in individuals affected with FGFR1-related conditions. ClinVar contains an entry for this variant (Variation ID: 3338853). Invitae Evidence Modeling of protein sequence and biophysical properties (such as structural, functional, and spatial information, amino acid conservation, physicochemical variation, residue mobility, and thermodynamic stability) indicates that this missense variant is not expected to disrupt FGFR1 protein function with a negative predictive value of 95%. In summary, the available evidence is currently insufficient to determine the role of this variant in disease. Therefore, it has been classified as a Variant of Uncertain Significance.

GeneDx
Classification: Uncertain significance. Last evaluated: 2024-02-15. Review status: criteria provided, single submitter. Criteria: GeneDx Variant Classification Process June 2021. Collection method: clinical testing. Allele origin: germline. Affected: yes.
Comment: In silico analysis supports that this missense variant does not alter protein structure/function; Has not been previously published as pathogenic or benign to our knowledge; This variant is associated with the following publications: (PMID: 25077900)

NM_023110.3(FGFR1):c.416A>G (p.Lys139Arg)

Gene: FGFR1 (fibroblast growth factor receptor 1; minus strand). Cytogenetic location: 8p11.23.
Variant type: single nucleotide variant.
Coding change: c.416A>G on transcript NM_023110.3 (MANE Select); coding-DNA position 416, A replaced by G.
Protein change: p.Lys139Arg; replaces lysine 139 with arginine.
Molecular consequence: missense variant.
Genome position (GRCh38, 1-based): chr8:38,428,378, T>C on the plus strand (A>G on the coding strand, the complement: FGFR1 is on the minus strand). VCF-style: chr8-38428378-T-C. GRCh37 (hg19) VCF-style: chr8-38285896-T-C.
Other names: c.416A>G, p.Lys139Arg (NM_001174063.2, NM_001174065.2, NM_001354367.2 and 3 more transcripts); c.392A>G, p.Lys131Arg (NM_001174064.2); c.149A>G, p.Lys50Arg (NM_001174066.2, NM_001354368.2, NM_001354370.2 and 2 more transcripts); c.515A>G, p.Lys172Arg (NM_001174067.2); short protein forms K131R, K139R, K172R, K50R.
Identifiers: ClinVar variation 3338853 (VCV003338853.4).
Genomic context (GRCh38, chr8:38,428,378, plus strand): 5'-GGCAGTAAGATAGGAAACAGTGTCTCACGCATACGGTTTGGTTTGGTGTTATCTGTTTCT[T>C]TCTCCTCTGAAGAGGAGTCATCATCATCATCATCATCCTCCGAGGAGGGGAGAGCATCTA-3'
Protein context (NP_075598.2, residues 129-149): DDDDDSSSEE[Lys139Arg]ETDNTKPNRM